The following is an entry in ClinVar:

ClinVar aggregate classification (germline): Conflicting classifications of pathogenicity. Review status: criteria provided, conflicting classifications (1 of 4 stars). 12 submissions from 12 submitters: Likely pathogenic (1); Uncertain significance (11). Last evaluated 2026-03-02.

Conditions:
MYBPC3-related disorder. Also called: MYBPC3-related disorders; MYBPC3-related condition; MYBPC3-related disease.
Cardiovascular phenotype. Identifiers: MedGen CN230736.
Left ventricular noncompaction 10 (LVNC10). Identifiers: Orphanet 154, Orphanet 54260, MedGen C3715165, MONDO:0014163, OMIM 615396.
Cardiomyopathy (CMYO). Also called: Cardiomyopathies. Identifiers: Orphanet 167848, MedGen C0878544, MONDO:0004994, HP:0001638. Inheritance: Various modes of inheritance.
Hypertrophic cardiomyopathy. Also called: HYPERTROPHIC MYOCARDIOPATHY. Identifiers: Orphanet 217569, MedGen C0007194, MeSH D002312, MONDO:0005045, HP:0001639.

Allele frequency attached by ClinVar (database versions not stated): gnomAD exomes below 0.00001 and 0.00001; ExAC 0.00001; gnomAD 0.00001 and 0.00002; TOPMed 0.00001.

Submissions 1 to 6 of 12:

Ambry Genetics
Classification: Uncertain significance for Cardiovascular phenotype. Last evaluated: 2026-03-02. Review status: criteria provided, single submitter. Criteria: Ambry Variant Classification Scheme 2023. Collection method: clinical testing. Allele origin: germline.
Comment: The p.R470Q variant (also known as c.1409G>A), located in coding exon 16 of the MYBPC3 gene, results from a G to A substitution at nucleotide position 1409. The arginine at codon 470 is replaced by glutamine, an amino acid with highly similar properties. This alteration has been reported in hypertrophic cardiomyopathy (HCM) cohorts, as well as a sudden unexplained death cohort (Cecconi M et al. Int J Mol Med, 2016 Oct;38:1111-24; Teramoto R et al. Circ J, 2018 Mar;82:1139-1148; Hata Y et al. J Clin Med, 2019 Apr;8; Magr&igrave; D et al. J Clin Med, 2020 May;9; Janin A et al. Mol Diagn Ther, 2021 May;25:373-385; Oktay V et al. Anatol J Cardiol, 2023 Nov;27:628-638; McGurk KA et al. Am J Hum Genet, 2023 Sep;110:1482-1495; external data). This amino acid position is highly conserved in available vertebrate species. In addition, this alteration is predicted to be deleterious by in silico analysis. Based on the available evidence, the clinical significance of this variant remains unclear.

Labcorp Genetics (formerly Invitae), Labcorp
Classification: Likely pathogenic for Hypertrophic cardiomyopathy. Last evaluated: 2025-12-03. Review status: criteria provided, single submitter. Criteria: Invitae Variant Classification Sherloc (09022015). Collection method: clinical testing. Allele origin: germline.
Comment: This sequence change replaces arginine, which is basic and polar, with glutamine, which is neutral and polar, at codon 470 of the MYBPC3 protein (p.Arg470Gln). This variant is present in population databases (rs776734314, gnomAD 0.003%). This missense change has been observed in individuals with hypertrophic cardiomyopathy (PMID: 27483260, 27600940, 29398688, 37466024, 37652022; internal data). ClinVar contains an entry for this variant (Variation ID: 403203). An algorithm developed to predict the effect of missense changes on protein structure and function (PolyPhen-2) suggests that this variant is likely to be disruptive. This variant disrupts the p.Arg470 amino acid residue in MYBPC3. Other variant(s) that disrupt this residue have been determined to be pathogenic (PMID: 23233322, 33782553). This suggests that this residue is clinically significant, and that variants that disrupt this residue are likely to be disease-causing. In summary, the currently available evidence indicates that the variant is pathogenic, but additional data are needed to prove that conclusively. Therefore, this variant has been classified as Likely Pathogenic.

PreventionGenetics, part of Exact Sciences
Classification: Uncertain significance for MYBPC3-related condition. Last evaluated: 2025-09-29. Review status: criteria provided, single submitter. Criteria: ACMG Guidelines, 2015. Collection method: clinical testing. Allele origin: germline.
Comment: The MYBPC3 c.1409G>A variant is predicted to result in the amino acid substitution p.Arg470Gln. This variant has been reported in individuals with hypertrophic cardiomyopathy (Harris et al. 2011. PubMed ID: 21415409; Teramoto et al. 2018. PubMed ID: 29398688), but has also been observed in the general population (Tables S8 and S10, McGurk et al. 2023. PubMed ID: 37652022). In addition, two missense variants affecting the same amino acid residue (Arg470Pro, Arg470Trp) have also been found in individuals with HCM, suggesting that this residue is important for protein function (Kassem et al. 2013 PubMed ID: 23233322; Olivotto et al. 2008. PubMed ID: 18533079; Thompson et al. 2021. PubMed ID: 33782553). This variant is reported in 0.0029% of alleles in individuals of Latino descent in gnomAD. Although we suspect that this variant may be pathogenic, at this time, the clinical significance of this variant is uncertain due to the absence of conclusive functional and genetic evidence.

Women's Health and Genetics/Laboratory Corporation of America, LabCorp
Classification: Uncertain significance. Last evaluated: 2025-07-28. Review status: criteria provided, single submitter. Criteria: LabCorp Variant Classification Summary - May 2015. Collection method: clinical testing. Allele origin: germline.
Comment: Variant summary: MYBPC3 c.1409G>A (p.Arg470Gln) results in a conservative amino acid change located in the Immunoglobulin subtype 2 (IPR003598) of the encoded protein sequence. Algorithms developed to predict the effect of missense changes on protein structure and function are either unavailable or do not agree on the potential impact of this missense change. The variant allele was found at a frequency of 4e-06 in 247146 control chromosomes. The available data on variant occurrences in the general population are insufficient to allow any conclusion about variant significance. c.1409G>A has been observed in individuals affected with Hypertrophic Cardiomyopathy and/or undergoing cardiomyopathy multigene panel testing, including several individuals with a positive family history, but where relatives were not geneticically tested (e.g. Harris_2011, Cecconi_2016, Rubattu_2016, Teramoto_2018, Emrahi_2022, Oktay_2023). In a large cross-sectional study with individuals referred for diagnostic sequencing for HCM and DCM, this variant was evaluated as a VUS change with penetrance of 0.017 (McGurk_2023). These reports do not provide unequivocal conclusions about association of the variant with Hypertrophic Cardiomyopathy. To our knowledge, no experimental evidence demonstrating an impact on protein function has been reported. The following publications have been ascertained in the context of this evaluation (PMID: 27600940, 21415409, 37652022, 37466024, 27483260, 29398688). ClinVar contains an entry for this variant (Variation ID: 403203). Based on the evidence outlined above, the variant was classified as uncertain significance.

ARUP Laboratories, Molecular Genetics and Genomics, ARUP Laboratories
Classification: Uncertain significance. Last evaluated: 2025-04-07. Review status: criteria provided, single submitter. Criteria: ARUP Molecular Germline Variant Investigation Process 2024. Collection method: clinical testing. Allele origin: germline.
Comment: The MYBPC3 c.1409G>A; p.Arg470Gln variant (rs776734314, ClinVar Variation ID 403203) is reported in the literature in individuals affected with hypertrophic cardiomyopathy (HCM) (Cecconi 2016, Harris 2011, McGurk 2023, Rubattu 2016, Teramoto 2018). This variant is only observed on one allele in the Genome Aggregation Database (v2.1.1), indicating it is not a common polymorphism. Additionally, other variants at this codon (c.1409G>C, p.Arg470Pro; c.1408C>T, p.Arg470Trp) have been reported in individuals with HCM (Kassem 2013, McGurk 2023). Computational analyses are uncertain whether this variant is neutral or deleterious (REVEL: 0.514). Due to limited information, the clinical significance of this variant is uncertain at this time. References: Cecconi M et al. Targeted next-generation sequencing helps to decipher the genetic and phenotypic heterogeneity of hypertrophic cardiomyopathy. Int J Mol Med. 2016 Oct. PMID: 27600940. Harris SP et al. In the thick of it: HCM-causing mutations in myosin binding proteins of the thick filament. Circ Res. 2011 Mar 18. PMID: 21415409. Kassem H et al. Early results of sarcomeric gene screening from the Egyptian National BA-HCM Program. J Cardiovasc Transl Res. 2013 Feb. PMID: 23233322. McGurk KA et al. The penetrance of rare variants in cardiomyopathy-associated genes: A cross-sectional approach to estimating penetrance for secondary findings. Am J Hum Genet. 2023 Sep 7. PMID: 37652022. Rubattu S et al. A Next-Generation Sequencing Approach to Identify Gene Mutations in Early- and Late-Onset Hypertrophic Cardiomyopathy Patients of an Italian Cohort. Int J Mol Sci. 2016 Jul 30. PMID: 27483260. Teramoto R et al. Late Gadolinium Enhancement for Prediction of Mutation-Positive Hypertrophic Cardiomyopathy on the Basis of Panel-Wide Sequencing. Circ J. 2018 Mar 23. PMID: 29398688.

All of Us Research Program, National Institutes of Health
Classification: Uncertain significance for Hypertrophic cardiomyopathy. Last evaluated: 2023-07-10. Review status: criteria provided, single submitter. Criteria: ACMG Guidelines, 2015. Collection method: clinical testing. Allele origin: germline. Inheritance: Autosomal dominant inheritance. Observed: 1 variant allele, 1 heterozygote.
Comment: This missense variant replaces arginine with glutamine at codon 470 of the MYBPC3 protein. Computational prediction is inconclusive regarding the impact of this variant on protein structure and function (internally defined REVEL score threshold 0.5 < inconclusive < 0.7, PMID: 27666373). To our knowledge, functional studies have not been reported for this variant. This variant has been reported in individuals affected with hypertrophic cardiomyopathy (PMID: 27483260, 27600940, 29398688, 33495597) and in an individual affected with aortic dissection (PMID: 30959811). This variant has been identified in 1/247146 chromosomes in the general population by the Genome Aggregation Database (gnomAD). The available evidence is insufficient to determine the role of this variant in disease conclusively. Therefore, this variant is classified as a Variant of Uncertain Significance.

This study involves interpretation of variants in research participants for the purpose of population health screening. Participant phenotype was not available at the time of variant classification. Additional details can be found in publication PMID: 35346344, PMCID: PMC8962531

NM_000256.3(MYBPC3):c.1409G>A (p.Arg470Gln)

Gene: MYBPC3 (myosin binding protein C3; minus strand). Cytogenetic location: 11p11.2.
Variant type: single nucleotide variant.
Coding change: c.1409G>A on transcript NM_000256.3 (MANE Select); coding-DNA position 1409, G replaced by A.
Protein change: p.Arg470Gln; replaces arginine 470 with glutamine.
Molecular consequence: missense variant.
Genome position (GRCh38, 1-based): chr11:47,342,878, C>T on the plus strand (G>A on the coding strand, the complement: MYBPC3 is on the minus strand). VCF-style: chr11-47342878-C-T. GRCh37 (hg19) VCF-style: chr11-47364429-C-T.
Other names: short protein forms R470Q.
Identifiers: ClinVar variation 403203 (VCV000403203.36), dbSNP rs776734314, ClinGen allele CA078071.